The following is an entry in ClinVar:

ClinVar aggregate classification (germline): Uncertain significance (1 of 4 stars; one submission).

Submission:

Labcorp Genetics (formerly Invitae), Labcorp
Classification: Uncertain significance. Last evaluated: 2022-04-25. Review status: criteria provided, single submitter. Criteria: Invitae Variant Classification Sherloc (09022015). Collection method: clinical testing. Allele origin: germline.
Comment: This variant has not been reported in the literature in individuals affected with TMPRSS15-related conditions. This sequence change replaces asparagine, which is neutral and polar, with isoleucine, which is neutral and non-polar, at codon 260 of the TMPRSS15 protein (p.Asn260Ile). This variant is not present in population databases (gnomAD no frequency). Algorithms developed to predict the effect of missense changes on protein structure and function are either unavailable or do not agree on the potential impact of this missense change (SIFT: "Not Available"; PolyPhen-2: "Possibly Damaging"; Align-GVGD: "Not Available"). In summary, the available evidence is currently insufficient to determine the role of this variant in disease. Therefore, it has been classified as a Variant of Uncertain Significance.

NM_002772.3(TMPRSS15):c.779A>T (p.Asn260Ile)

Gene: TMPRSS15 (transmembrane serine protease 15; minus strand). Cytogenetic location: 21q21.1.
Variant type: single nucleotide variant.
Coding change: c.779A>T on transcript NM_002772.3 (MANE Select); coding-DNA position 779, A replaced by T.
Protein change: p.Asn260Ile; replaces asparagine 260 with isoleucine.
Molecular consequence: missense variant.
Genome position (GRCh38, 1-based): chr21:18,359,858, T>A on the plus strand (A>T on the coding strand, the complement: TMPRSS15 is on the minus strand). VCF-style: chr21-18359858-T-A. GRCh37 (hg19) VCF-style: chr21-19732175-T-A.
Other names: short protein forms N260I.
Identifiers: ClinVar variation 2161355 (VCV002161355.4), dbSNP rs975739124, ClinGen allele CA409852114.